The following is an entry in ClinVar:

NM_000275.3(OCA2):c.1372G>T (p.Glu458Ter)

Gene: OCA2 (OCA2 melanosomal transmembrane protein; minus strand). Cytogenetic location: 15q13.1.
Variant type: single nucleotide variant.
Coding change: c.1372G>T on transcript NM_000275.3 (MANE Select); coding-DNA position 1372, G replaced by T.
Protein change: p.Glu458Ter; replaces glutamic acid 458 with a stop codon.
Molecular consequence: nonsense.
Genome position (GRCh38, 1-based): chr15:27,983,476, C>A on the plus strand (G>T on the coding strand, the complement: OCA2 is on the minus strand). VCF-style: chr15-27983476-C-A. GRCh37 (hg19) VCF-style: chr15-28228622-C-A.
Other names: c.1300G>T, p.Glu434Ter (NM_001300984.2); short protein forms E434*, E458*.
Identifiers: ClinVar variation 5013273 (VCV005013273.1).
Genomic context (GRCh38, chr15:27,983,476, plus strand): 5'-CAATGTTTGTGAAGATCACTTCTGCAATCAGGACTTGTCTTGGATCAAGGTTGAGCACCT[C>A]ACACAACCTGTCACAAATGGAGGAAAATGAAAGTAGTCCCACTATACACATCGTGAAAGG-3'

ClinVar aggregate classification (germline): Pathogenic (1 of 4 stars; one submission).

Conditions:
Tyrosinase-positive oculocutaneous albinism (OCA2). Also called: ALBINISM II; Oculocutaneous albinism type 2; Albinism, oculocutaneous, type II. Identifiers: Orphanet 79432, MedGen C0268495, MONDO:0008746, OMIM 203200.

Submission:

Myriad Genetics, Inc.
Classification: Pathogenic for Tyrosinase-positive oculocutaneous albinism. Last evaluated: 2024-07-03. Review status: criteria provided, single submitter. Criteria: Myriad Autosomal Dominant, Autosomal Recessive and X-Linked Classification Criteria (2023). Collection method: clinical testing. Allele origin: unknown.
Comment: NM_000275.2(OCA2):c.1372G>T(E458*) is expected to be pathogenic in the context of oculocutaneous albinism, OCA2-related. This variant is predicted to lead to an abnormal or absent protein product due to the creation of a premature termination codon in OCA2, a gene where loss-of-function variants are known to be pathogenic. Please note: this variant was assessed in the context of healthy population screening.